The following is an entry in ClinVar:

ClinVar aggregate classification (germline): Uncertain significance. Review status: criteria provided, multiple submitters, no conflicts (2 of 4 stars). 3 submissions from 3 submitters: Uncertain significance (3). Last evaluated 2025-06-22.

Conditions:
Hereditary cancer-predisposing syndrome. Also called: Neoplastic Syndromes, Hereditary; Hereditary Cancer Syndrome; Tumor predisposition; Hereditary neoplastic syndrome. Identifiers: Orphanet 140162, MedGen C0027672, MeSH D009386, MONDO:0015356.
Hereditary pheochromocytoma and paraganglioma. Also called: Hereditary Paraganglioma-Pheochromocytoma Syndromes; Hereditary paragangliomas and pheochromocytomas; Hereditary pheochromocytoma-paraganglioma. Identifiers: Orphanet 29072, MedGen C4274332, MONDO:0017366.

Allele frequency attached by ClinVar (database versions not stated): gnomAD exomes below 0.00001; TOPMed below 0.00001; gnomAD 0.00001.
gnomAD v4.1: 7 of 1,609,894 alleles (0.00043%); highest among the groups gnomAD compares: Non-Finnish European, 0.00051%; no homozygotes.

Submissions (3):

Labcorp Genetics (formerly Invitae), Labcorp
Classification: Uncertain significance for Hereditary pheochromocytoma and paraganglioma. Last evaluated: 2025-06-22. Review status: criteria provided, single submitter. Criteria: Invitae Variant Classification Sherloc (09022015). Collection method: clinical testing. Allele origin: germline.
Comment: This sequence change replaces proline, which is neutral and non-polar, with threonine, which is neutral and polar, at codon 238 of the TMEM127 protein (p.Pro238Thr). This variant is present in population databases (no rsID available, gnomAD 0.0009%). This variant has not been reported in the literature in individuals affected with TMEM127-related conditions. ClinVar contains an entry for this variant (Variation ID: 575095). An algorithm developed to predict the effect of missense changes on protein structure and function (PolyPhen-2) suggests that this variant is likely to be disruptive. In summary, the available evidence is currently insufficient to determine the role of this variant in disease. Therefore, it has been classified as a Variant of Uncertain Significance.

GeneDx
Classification: Uncertain significance. Last evaluated: 2025-01-24. Review status: criteria provided, single submitter. Criteria: GeneDx Variant Classification Process June 2021. Collection method: clinical testing. Allele origin: germline. Affected: yes.
Comment: Not observed at significant frequency in large population cohorts (gnomAD); In silico analysis supports that this missense variant has a deleterious effect on protein structure/function; Has not been previously published as pathogenic or benign to our knowledge

Ambry Genetics
Classification: Uncertain significance for Hereditary cancer-predisposing syndrome. Last evaluated: 2024-11-15. Review status: criteria provided, single submitter. Criteria: Ambry Variant Classification Scheme 2023. Collection method: clinical testing. Allele origin: germline.
Comment: The p.P238T variant (also known as c.712C>A), located in coding exon 3 of the TMEM127 gene, results from a C to A substitution at nucleotide position 712. The proline at codon 238 is replaced by threonine, an amino acid with highly similar properties. This amino acid position is highly conserved in available vertebrate species. In addition, this alteration is predicted to be deleterious by in silico analysis. Since supporting evidence is limited at this time, the clinical significance of this alteration remains unclear.

NM_017849.4(TMEM127):c.712C>A (p.Pro238Thr)

Gene: TMEM127 (transmembrane protein 127; minus strand). Cytogenetic location: 2q11.2.
Variant type: single nucleotide variant.
Coding change: c.712C>A on transcript NM_017849.4 (MANE Select); coding-DNA position 712, C replaced by A.
Protein change: p.Pro238Thr; replaces proline 238 with threonine.
Molecular consequence: missense variant.
Genome position (GRCh38, 1-based): chr2:96,253,813, G>T on the plus strand (C>A on the coding strand, the complement: TMEM127 is on the minus strand). VCF-style: chr2-96253813-G-T. GRCh37 (hg19) VCF-style: chr2-96919551-G-T.
Other names: c.712C>A, p.Pro238Thr (NM_001193304.3); short protein forms P238T.
Identifiers: ClinVar variation 575095 (VCV000575095.11), dbSNP rs1184921725, ClinGen allele CA347650840.